The following is an entry in ClinVar:

NM_006514.4(SCN10A):c.3488T>C (p.Leu1163Pro)

Genes: SCN10A (sodium voltage-gated channel alpha subunit 10; minus strand), LOC110121288 (VISTA enhancer hs2268; plus strand). Cytogenetic location: 3p22.2.
Variant type: single nucleotide variant.
Coding change: c.3488T>C on transcript NM_006514.4 (MANE Select); coding-DNA position 3488, T replaced by C.
Protein change: p.Leu1163Pro; replaces leucine 1163 with proline.
Molecular consequence: missense variant.
Genome position (GRCh38, 1-based): chr3:38,722,277, A>G on the plus strand (T>C on the coding strand, the complement: SCN10A is on the minus strand). VCF-style: chr3-38722277-A-G. GRCh37 (hg19) VCF-style: chr3-38763768-A-G.
Other names: c.3485T>C, p.Leu1162Pro (NM_001293306.2); c.3194T>C, p.Leu1065Pro (NM_001293307.2); short protein forms L1162P, L1163P, L1065P.
Identifiers: ClinVar variation 1731896 (VCV001731896.2), dbSNP rs2470646704, ClinGen allele CA352155194.

ClinVar aggregate classification (germline): Uncertain significance (1 of 4 stars; one submission).

Conditions:
Cardiovascular phenotype. Identifiers: MedGen CN230736.

Allele frequency attached by ClinVar (database versions not stated): gnomAD exomes below 0.00001.
gnomAD v4.1: 2 of 1,614,090 alleles (0.00012%); highest among the groups gnomAD compares: Non-Finnish European, 0.000085%; no homozygotes.

Submission:

Ambry Genetics
Classification: Uncertain significance for Cardiovascular phenotype. Last evaluated: 2020-10-06. Review status: criteria provided, single submitter. Criteria: Ambry Variant Classification Scheme 2023. Collection method: clinical testing. Allele origin: germline.
Comment: The p.L1163P variant (also known as c.3488T>C), located in coding exon 19 of the SCN10A gene, results from a T to C substitution at nucleotide position 3488. The leucine at codon 1163 is replaced by proline, an amino acid with similar properties. This amino acid position is highly conserved in available vertebrate species. In addition, this alteration is predicted to be deleterious by in silico analysis. Since supporting evidence is limited at this time, the clinical significance of this alteration remains unclear.